The following is an entry in ClinVar:

NM_000539.3(RHO):c.330C>G (p.Cys110Trp)

Gene: RHO (rhodopsin; plus strand). Cytogenetic location: 3q22.1.
Variant type: single nucleotide variant.
Coding change: c.330C>G on transcript NM_000539.3 (MANE Select); coding-DNA position 330, C replaced by G.
Protein change: p.Cys110Trp; replaces cysteine 110 with tryptophan.
Molecular consequence: missense variant.
Genome position (GRCh38, 1-based): chr3:129,529,063, C>G. VCF-style: chr3-129529063-C-G. GRCh37 (hg19) VCF-style: chr3-129247906-C-G.
Other names: short protein forms C110W.
Identifiers: ClinVar variation 2060137 (VCV002060137.4), dbSNP rs2108749332, ClinGen allele CA354496922.
Genomic context (GRCh38, chr3:129,529,063, plus strand): 5'-CTTCACCAGCACCCTCTACACCTCTCTGCATGGATACTTCGTCTTCGGGCCCACAGGATG[C>G]AATTTGGAGGGCTTCTTTGCCACCCTGGGCGGTATGAGCCGGGTGTGGGTGGGGTGTGCA-3'
Protein context (NP_000530.1, residues 100-120): HGYFVFGPTG[Cys110Trp]NLEGFFATLG

ClinVar aggregate classification (germline): Likely pathogenic (1 of 4 stars; one submission).

Submission:

Labcorp Genetics (formerly Invitae), Labcorp
Classification: Likely pathogenic. Last evaluated: 2021-12-25. Review status: criteria provided, single submitter. Criteria: Invitae Variant Classification Sherloc (09022015). Collection method: clinical testing. Allele origin: germline.
Comment: Advanced modeling of protein sequence and biophysical properties (such as structural, functional, and spatial information, amino acid conservation, physicochemical variation, residue mobility, and thermodynamic stability) performed at Invitae indicates that this missense variant is expected to disrupt RHO protein function. This missense change has been observed in individual(s) with autosomal dominant retinitis pigmentosa (Invitae). This variant is not present in population databases (gnomAD no frequency). This sequence change replaces cysteine, which is neutral and slightly polar, with tryptophan, which is neutral and slightly polar, at codon 110 of the RHO protein (p.Cys110Trp). This variant disrupts the p.Cys110 amino acid residue in RHO. Other variant(s) that disrupt this residue have been determined to be pathogenic (PMID: 8088850, 9810568, 19913029, 30240733). This suggests that this residue is clinically significant, and that variants that disrupt this residue are likely to be disease-causing. In summary, the currently available evidence indicates that the variant is pathogenic, but additional data are needed to prove that conclusively. Therefore, this variant has been classified as Likely Pathogenic.

Literature cited by the submitters: PubMed 8088850; PubMed 9810568; PubMed 19913029; PubMed 30240733.